The following is an entry in ClinVar:

NM_001303256.3(MORC2):c.589del (p.Thr197fs)

Gene: MORC2 (MORC family CW-type zinc finger 2; minus strand). Cytogenetic location: 22q12.2.
Variant type: Deletion.
Coding change: c.589del on transcript NM_001303256.3 (MANE Select); coding-DNA position 589, one base deleted (A; older notation c.589delA).
Protein change: p.Thr197fs; shifts the reading frame from threonine 197.
Molecular consequence: frameshift variant.
Genome position (GRCh38, 1-based): chr22:30,942,000, T deleted on the plus strand (A on the coding strand, the reverse complement: MORC2 is on the minus strand); the first of 2 consecutive T bases (chr22:30,942,000-30,942,001); deleting either gives the same sequence. VCF-style (leftmost placement, unchanged base first): chr22-30941999-GT-G. GRCh37 (hg19) VCF-style: chr22-31337986-GT-G.
Other names: c.589del, p.Thr197fs (NM_001303257.2); c.403del, p.Thr135fs (NM_014941.3); short protein forms T197fs, T135fs.
Identifiers: ClinVar variation 3721538 (VCV003721538.2).

ClinVar aggregate classification (germline): Uncertain significance (1 of 4 stars; one submission).

Conditions:
Charcot-Marie-Tooth disease axonal type 2Z. Also called: CHARCOT-MARIE-TOOTH DISEASE, AXONAL, AUTOSOMAL DOMINANT, TYPE 2Z; CHARCOT-MARIE-TOOTH NEUROPATHY, TYPE 2Z. Identifiers: Orphanet 466768, MedGen C5569025, MONDO:0014736, OMIM 616688.

Submission:

Labcorp Genetics (formerly Invitae), Labcorp
Classification: Uncertain significance for Charcot-Marie-Tooth disease axonal type 2Z. Last evaluated: 2024-09-25. Review status: criteria provided, single submitter. Criteria: Invitae Variant Classification Sherloc (09022015). Collection method: clinical testing. Allele origin: germline.
Comment: This sequence change creates a premature translational stop signal (p.Thr197Hisfs*3) in the MORC2 gene. It is expected to result in an absent or disrupted protein product. However, the current clinical and genetic evidence is not sufficient to establish whether loss-of-function variants in MORC2 cause disease. This variant is not present in population databases (gnomAD no frequency). This variant has not been reported in the literature in individuals affected with MORC2-related conditions. In summary, the available evidence is currently insufficient to determine the role of this variant in disease. Therefore, it has been classified as a Variant of Uncertain Significance.